The following is an entry in ClinVar:

ClinVar aggregate classification (germline): Pathogenic. Review status: criteria provided, multiple submitters, no conflicts (2 of 4 stars). 31 submissions from 31 submitters: Pathogenic (25). 6 of the submissions do not count toward it. Last evaluated 2026-04-01.

Conditions:
GJB2-related disorder. Also called: GJB2-related condition; GJB2-related disorders. Identifiers: MedGen CN382183, MONDO:1060236.
Rare genetic deafness. Identifiers: Orphanet 96210, MedGen C5680250.
Hearing loss. Identifiers: MedGen C3887873.
Autosomal recessive nonsyndromic hearing loss 1A (DFNB1A). Also called: Deafness, autosomal recessive 1A; GJB2-Related Autosomal Recessive Nonsyndromic Hearing Loss; Connexin 26 deafness; Deafness nonsyndromic, Connexin 26 linked; Nonsyndromic Hearing Loss and Deafness, DFNB1; GJB6-Related DFNB 1 Nonsyndromic Hearing Loss and Deafness. Identifiers: Orphanet 90636, MedGen C2673759, MONDO:0009076, OMIM 220290.
Palmoplantar keratoderma-deafness syndrome. Also called: Keratoderma palmoplantar, with deafness; Palmoplantar keratoderma and sensorineural deafness; Hereditary palmoplantar keratoderma with deafness (subtype); Focal palmoplantar keratoderma with sensorineural deafness (subtype); Diffuse palmoplantar keratoderma with deafness (subtype). Identifiers: Orphanet 2202, MedGen C1835672, MONDO:0007852, OMIM 148350.
Knuckle pads, deafness AND leukonychia syndrome. Also called: Bart-Pumphrey syndrome. Identifiers: Orphanet 2698, MedGen C0266004, MONDO:0007866, OMIM 149200.
Autosomal dominant keratitis-ichthyosis-hearing loss syndrome. Also called: HID SYNDROME; KID SYNDROME, AUTOSOMAL DOMINANT; Senter syndrome. Identifiers: Orphanet 477, MedGen C0265336, MONDO:0007850, OMIM 148210.
Autosomal dominant nonsyndromic hearing loss 3A. Identifiers: Orphanet 90635, MedGen C2675750, MONDO:0011103, OMIM 601544.
Ichthyosis, hystrix-like, with hearing loss. Also called: Hystrix-like ichthyosis with deafness. Identifiers: Orphanet 477, MedGen C1865234, MONDO:0011245.
Mutilating keratoderma (VOWNKL). Also called: Keratoderma hereditarium mutilans. Identifiers: Orphanet 494, MedGen C0265964, MONDO:0007422, OMIM 124500.
Nonsyndromic genetic hearing loss. Also called: Nonsyndromic hearing loss and deafness; Non-syndromic genetic deafness; Nonsyndromic genetic deafness. Identifiers: Orphanet 87884, MedGen C5680182, MONDO:0019497.
Hearing impairment. Also called: Impaired Hearing. Identifiers: MedGen C1384666, MONDO:0005365, HP:0000365.

Allele frequency attached by ClinVar (database versions not stated): gnomAD 0.00011 and 0.00013; ExAC 0.00015; TOPMed 0.00019.
gnomAD v4.1: 193 of 1,612,306 alleles (0.012%); highest among the groups gnomAD compares: Admixed American, 0.037%; no homozygotes.

Submissions 1 to 10 of 31:

CeGaT Center for Human Genetics Tuebingen
Classification: Pathogenic. Last evaluated: 2026-04-01. Review status: criteria provided, single submitter. Criteria: CeGaT Center For Human Genetics Tuebingen Variant Classification Criteria Version 2. Collection method: clinical testing. Allele origin: germline. Affected: yes. Observed: 5 variant alleles.
Comment: GJB2: PM3:Very Strong, PVS1:Strong, PM2:Supporting

Dasa
Classification: Pathogenic. Last evaluated: 2026-03-09. Review status: criteria provided, single submitter. Criteria: DASA Assertion Criteria. Collection method: clinical testing. Allele origin: germline.
Comment: NM_004004.6(GJB2):c.139G>T (p.Glu47Ter) introduces a premature termination codon predicted to result in loss of normal protein function. Loss-of-function is an established mechanism of disease for this gene. This variant has been recurrently observed in individuals with related phenotype (PMID: 9336442; PMID: 15070423; PMID: 31200317; PMID: 24793888). The variant is present at low frequency in population datasets. Based on the available data, this variant is classified as pathogenic.

Labcorp Genetics (formerly Invitae), Labcorp
Classification: Pathogenic. Last evaluated: 2026-01-06. Review status: criteria provided, single submitter. Criteria: Invitae Variant Classification Sherloc (09022015). Collection method: clinical testing. Allele origin: germline.
Comment: This sequence change creates a premature translational stop signal (p.Glu47*) in the GJB2 gene. While this is not anticipated to result in nonsense mediated decay, it is expected to disrupt the last 180 amino acid(s) of the GJB2 protein. This variant is present in population databases (rs104894398, gnomAD 0.04%). This premature translational stop signal has been observed in individuals with autosomal recessive non-syndromic deafness (PMID: 9336442, 15070423, 21465647, 22429511, 26553399). ClinVar contains an entry for this variant (Variation ID: 17005). For these reasons, this variant has been classified as Pathogenic.

Natera, Inc.
Classification: Pathogenic for Autosomal recessive deafness type 1A. Last evaluated: 2025-07-20. Review status: criteria provided, single submitter. Criteria: Natera Variant Classification Schema (03/2026). Collection method: clinical testing. Allele origin: germline.
Comment: The c.139G>T variant in GJB2 is a nonsense variant predicted to introduce a stop codon at amino acid 47. This variant is expected to result in nonsense mediated decay, truncation, or a dysfunctional protein product. This variant is rare in the general population with a frequency below the threshold expected for the associated phenotype(s). This variant has been observed in one or more individuals affected with the associated recessive disease, as either homozygous or compound heterozygous with a second variant (PMID: 33928925, 23680645). This variant has been found together with another disease-causing variant in the same copy of the gene (PMID: 27177978). Given the available evidence, this variant is classified as Pathogenic.

3billion
Classification: Pathogenic for Autosomal recessive nonsyndromic hearing loss 1A. Last evaluated: 2025-06-23. Review status: criteria provided, single submitter. Criteria: ACMG Guidelines, 2015. Collection method: clinical testing. Allele origin: germline. Affected: yes.
Comment: The variant is observed at an extremely low frequency in the gnomAD v4.1.0 dataset (total allele frequency: 0.012%). Predicted Consequence/Location: Stop-gained (nonsense): predicted to result in a loss or disruption of normal protein function through protein truncation. Multiple pathogenic variants are reported in the predicted truncated region. The variant has been reported at least twice as pathogenic with clinical assertions and evidence for the classification (ClinVar ID: VCV000017005 /PMID: 9336442). Therefore, this variant is classified as Pathogenic according to the recommendation of ACMG/AMP guideline.

ARUP Laboratories, Molecular Genetics and Genomics, ARUP Laboratories
Classification: Pathogenic. Last evaluated: 2025-06-09. Review status: criteria provided, single submitter. Criteria: ARUP Molecular Germline Variant Investigation Process 2024. Collection method: clinical testing. Allele origin: germline.
Comment: The GJB2 c.139G>T; p.Glu47Ter variant (rs104894398) is reported multiple times in the literature in individuals with nonsyndromic hearing loss who are homozygous for the variant or compound heterozygous with another pathogenic GJB2 variant (Ben Said 2012, Denoyelle 1997, Dodson 2011, Rabionet 2000, Roux 2004). This variant is reported in ClinVar (Variation ID: 17005) and is found in the general population with an overall allele frequency of 0.01% (35/282166 alleles) in the Genome Aggregation Database. This variant induces an early termination codon and is predicted to result in a truncated protein or mRNA subject to nonsense-mediated decay. Based on available information, this variant is considered to be pathogenic. References: Ben Said M et al. Segregation of a new mutation in SLC26A4 and p.E47X mutation in GJB2 within a consanguineous Tunisian family affected with Pendred syndrome. Int J Pediatr Otorhinolaryngol. 2012 Jun;76(6):832-6. PMID: 22429511 Denoyelle F et al. Prelingual deafness: high prevalence of a 30delG mutation in the connexin 26 gene. Hum Mol Genet. 1997 Nov;6(12):2173-7. PMID: 9336442 Dodson KM et al. Vestibular dysfunction in DFNB1 deafness. Am J Med Genet A. 2011 May;155A(5):993-1000. PMID: 21465647 Rabionet R et al. Molecular basis of childhood deafness resulting from mutations in the GJB2 (connexin 26) gene. Hum Genet. 2000 Jan;106(1):40-4. PMID: 10982180 Roux AF et al. Molecular epidemiology of DFNB1 deafness in France. BMC Med Genet. 2004 Mar 6;5:5. PMID: 15070423

Athena Diagnostics
Classification: Pathogenic. Last evaluated: 2025-01-23. Review status: criteria provided, single submitter. Criteria: Athena Diagnostics Criteria. Collection method: clinical testing. Allele origin: unknown.
Comment: This variant is not expected to cause loss of protein expression through nonsense-mediated decay. However, similar variants in this region have been associated with disease, and therefore, this variant is also expected to contribute to disease. The frequency of this variant in the general population is consistent with pathogenicity. This variant segregates with disease in at least one family. This variant has been identified with a single recessive pathogenic variant in the same gene in multiple unrelated individuals with clinical features associated with autosomal recessive nonsyndromic hearing loss.

Blueprint Genetics
Classification: Pathogenic for GJB2-related disorders. Last evaluated: 2024-09-12. Review status: criteria provided, single submitter. Criteria: ACMG Guidelines, 2015. Collection method: clinical testing. Allele origin: germline. Affected: yes. Observed: 5 variant alleles.

Fulgent Genetics
Classification: Pathogenic for Mutilating keratoderma; Autosomal dominant keratitis-ichthyosis-hearing loss syndrome; Palmoplantar keratoderma-deafness syndrome; Knuckle pads, deafness AND leukonychia syndrome; Autosomal recessive nonsyndromic hearing loss 1A; Autosomal dominant nonsyndromic hearing loss 3A. Last evaluated: 2024-03-30. Review status: criteria provided, single submitter. Criteria: ACMG Guidelines, 2015. Collection method: clinical testing. Allele origin: germline.

Integrating Genomics into Medicine, Frazer Institute, University Of Queensland
Classification: Pathogenic for Autosomal recessive nonsyndromic hearing loss 1A. Last evaluated: 2023-06-02. Review status: criteria provided, single submitter. Criteria: ACMG Guidelines, 2015. Collection method: clinical testing. Allele origin: germline. Affected: yes.

NM_004004.6(GJB2):c.139G>T (p.Glu47Ter)

Gene: GJB2 (gap junction protein beta 2; minus strand). Cytogenetic location: 13q12.11.
Variant type: single nucleotide variant.
Coding change: c.139G>T on transcript NM_004004.6 (MANE Select); coding-DNA position 139, G replaced by T.
Protein change: p.Glu47Ter; replaces glutamic acid 47 with a stop codon.
Molecular consequence: nonsense.
Genome position (GRCh38, 1-based): chr13:20,189,443, C>A on the plus strand (G>T on the coding strand, the complement: GJB2 is on the minus strand). VCF-style: chr13-20189443-C-A. GRCh37 (hg19) VCF-style: chr13-20763582-C-A.
Other names: short protein forms E47*.
Identifiers: ClinVar variation 17005 (VCV000017005.104), dbSNP rs104894398, ClinGen allele CA172213.